The following is an entry in ClinVar:

ClinVar aggregate classification (germline): Pathogenic (1 of 4 stars; one submission).

Conditions:
Charcot-Marie-Tooth Neuropathy X. Identifiers: MedGen CN118851.

Submission:

Labcorp Genetics (formerly Invitae), Labcorp
Classification: Pathogenic for Charcot-Marie-Tooth Neuropathy X. Last evaluated: 2025-09-02. Review status: criteria provided, single submitter. Criteria: Invitae Variant Classification Sherloc (09022015). Collection method: clinical testing. Allele origin: germline.
Comment: This sequence change replaces isoleucine, which is neutral and non-polar, with threonine, which is neutral and polar, at codon 20 of the GJB1 protein (p.Ile20Thr). This variant is not present in population databases (gnomAD no frequency). This missense change has been observed in individuals with X-linked Charcot-Marie-Tooth disease (PMID: 24484554, 28469099; internal data). ClinVar contains an entry for this variant (Variation ID: 581956). Invitae Evidence Modeling of protein sequence and biophysical properties (such as structural, functional, and spatial information, amino acid conservation, physicochemical variation, residue mobility, and thermodynamic stability) indicates that this missense variant is expected to disrupt GJB1 protein function with a positive predictive value of 95%. This variant disrupts the p.Ile20 amino acid residue in GJB1. Other variant(s) that disrupt this residue have been observed in individuals with GJB1-related conditions (PMID: 9361298, 27844031), which suggests that this may be a clinically significant amino acid residue. For these reasons, this variant has been classified as Pathogenic.

Literature cited by the submitters: PubMed 24484554; PubMed 28469099; PubMed 9361298; PubMed 27844031.

NM_000166.6(GJB1):c.59T>C (p.Ile20Thr)

Gene: GJB1 (gap junction protein beta 1; plus strand). Cytogenetic location: Xq13.1.
Variant type: single nucleotide variant.
Coding change: c.59T>C on transcript NM_000166.6 (MANE Select); coding-DNA position 59, T replaced by C.
Protein change: p.Ile20Thr; replaces isoleucine 20 with threonine.
Molecular consequence: missense variant.
Genome position (GRCh38, 1-based): chrX:71,223,766, T>C. VCF-style: chrX-71223766-T-C. GRCh37 (hg19) VCF-style: chrX-70443616-T-C.
Other names: c.59T>C, p.Ile20Thr (NM_001097642.3); short protein forms I20T.
Identifiers: ClinVar variation 581956 (VCV000581956.6), dbSNP rs1569215025, ClinGen allele CA413500677.